The following is an entry in ClinVar:

NM_000836.4(GRIN2D):c.3977C>T (p.Ser1326Leu)

Gene: GRIN2D (glutamate ionotropic receptor NMDA type subunit 2D; plus strand). Cytogenetic location: 19q13.33.
Variant type: single nucleotide variant.
Coding change: c.3977C>T on transcript NM_000836.4 (MANE Select); coding-DNA position 3977, C replaced by T.
Protein change: p.Ser1326Leu; replaces serine 1326 with leucine.
Molecular consequence: missense variant.
Genome position (GRCh38, 1-based): chr19:48,443,903, C>T. VCF-style: chr19-48443903-C-T. GRCh37 (hg19) VCF-style: chr19-48947160-C-T.
Other names: short protein forms S1326L.
Identifiers: ClinVar variation 3695148 (VCV003695148.2).

ClinVar aggregate classification (germline): Uncertain significance (1 of 4 stars; one submission).

Submission:

Labcorp Genetics (formerly Invitae), Labcorp
Classification: Uncertain significance. Last evaluated: 2024-11-18. Review status: criteria provided, single submitter. Criteria: Invitae Variant Classification Sherloc (09022015). Collection method: clinical testing. Allele origin: germline.
Comment: This sequence change replaces serine, which is neutral and polar, with leucine, which is neutral and non-polar, at codon 1326 of the GRIN2D protein (p.Ser1326Leu). This variant is present in population databases (no rsID available, gnomAD 0.06%). This variant has not been reported in the literature in individuals affected with GRIN2D-related conditions. Invitae Evidence Modeling of protein sequence and biophysical properties (such as structural, functional, and spatial information, amino acid conservation, physicochemical variation, residue mobility, and thermodynamic stability) indicates that this missense variant is not expected to disrupt GRIN2D protein function with a negative predictive value of 95%. In summary, the available evidence is currently insufficient to determine the role of this variant in disease. Therefore, it has been classified as a Variant of Uncertain Significance.